The following is an entry in ClinVar:

NM_001365276.2(TNXB):c.1808G>A (p.Gly603Asp)

Gene: TNXB (tenascin XB; minus strand). Cytogenetic location: 6p21.33.
Variant type: single nucleotide variant.
Coding change: c.1808G>A on transcript NM_001365276.2 (MANE Select); coding-DNA position 1808, G replaced by A.
Protein change: p.Gly603Asp; replaces glycine 603 with aspartic acid.
Molecular consequence: missense variant.
Genome position (GRCh38, 1-based): chr6:32,096,045, C>T on the plus strand (G>A on the coding strand, the complement: TNXB is on the minus strand). VCF-style: chr6-32096045-C-T. GRCh37 (hg19) VCF-style: chr6-32063822-C-T.
Other names: c.1808G>A, p.Gly603Asp (NM_019105.8); short protein forms G603D.
Identifiers: ClinVar variation 393004 (VCV000393004.11), dbSNP rs753344187, ClinGen allele CA3735617.

ClinVar aggregate classification (germline): Uncertain significance. Review status: criteria provided, multiple submitters, no conflicts (2 of 4 stars). 4 submissions from 4 submitters: Uncertain significance (4). Last evaluated 2025-10-07.

Conditions:
Ehlers-Danlos syndrome (EDS). Identifiers: Orphanet 98249, MedGen C0013720, MONDO:0020066.
Cardiovascular phenotype. Identifiers: MedGen CN230736.

Allele frequency attached by ClinVar (database versions not stated): ExAC 0.00001; gnomAD exomes 0.00001 and 0.00003; TOPMed 0.00001; gnomAD 0.00002.
gnomAD v4.1: 51 of 1,613,108 alleles (0.0032%); highest among the groups gnomAD compares: Non-Finnish European, 0.0042%; no homozygotes.

Submissions (4):

Women's Health and Genetics/Laboratory Corporation of America, LabCorp
Classification: Uncertain significance. Last evaluated: 2025-10-07. Review status: criteria provided, single submitter. Criteria: LabCorp Variant Classification Summary - May 2015. Collection method: clinical testing. Allele origin: germline.
Comment: Variant summary: TNXB c.1808G>A (p.Gly603Asp) results in a non-conservative amino acid change in the encoded protein sequence. Algorithms developed to predict the effect of missense changes on protein structure and function are either unavailable or do not agree on the potential impact of this missense change. The variant allele was found at a frequency of 8.3e-06 in 241868 control chromosomes. The available data on variant occurrences in the general population are insufficient to allow any conclusion about variant significance. To our knowledge, no occurrence of c.1808G>A in individuals affected with TNXB-related conditions and no experimental evidence demonstrating its impact on protein function have been reported. The following publication has been ascertained in the context of this evaluation (PMID: 27121473). ClinVar contains an entry for this variant (Variation ID: 393004). Based on the evidence outlined above, the variant was classified as uncertain significance.

Ambry Genetics
Classification: Uncertain significance for Cardiovascular phenotype. Last evaluated: 2024-04-28. Review status: criteria provided, single submitter. Criteria: Ambry Variant Classification Scheme 2023. Collection method: clinical testing. Allele origin: germline.
Comment: The p.G603D variant (also known as c.1808G>A), located in coding exon 2 of the TNXB gene, results from a G to A substitution at nucleotide position 1808. The glycine at codon 603 is replaced by aspartic acid, an amino acid with similar properties. This amino acid position is highly conserved in available vertebrate species. In addition, the in silico prediction for this alteration is inconclusive. Since supporting evidence is limited at this time, the clinical significance of this alteration remains unclear.

GeneDx
Classification: Uncertain significance. Last evaluated: 2024-03-13. Review status: criteria provided, single submitter. Criteria: GeneDx Variant Classification Process June 2021. Collection method: clinical testing. Allele origin: germline. Affected: yes.
Comment: Has not been previously published as pathogenic or benign to our knowledge; Not observed at significant frequency in large population cohorts (gnomAD); In silico analysis supports that this missense variant has a deleterious effect on protein structure/function

Genome Diagnostics Laboratory, The Hospital for Sick Children
Classification: Uncertain significance for Ehlers-Danlos syndrome. Last evaluated: 2021-11-17. Review status: criteria provided, single submitter. Criteria: ACMG Guidelines, 2015. Collection method: clinical testing. Allele origin: germline.

Literature cited by the submitters: PubMed 27121473 (cited by Women's Health and Genetics/Laboratory Corporation of America, LabCorp).